The following is an entry in ClinVar:

NM_001035.3(RYR2):c.3979C>T (p.Leu1327Phe)

Genes: RYR2 (ryanodine receptor 2; plus strand), LOC126806067 (BRD4-independent group 4 enhancer GRCh37_chr1:237753258-237754457; plus strand). Cytogenetic location: 1q43.
Variant type: single nucleotide variant.
Coding change: c.3979C>T on transcript NM_001035.3 (MANE Select); coding-DNA position 3979, C replaced by T.
Protein change: p.Leu1327Phe; replaces leucine 1327 with phenylalanine.
Molecular consequence: missense variant.
Genome position (GRCh38, 1-based): chr1:237,590,811, C>T. VCF-style: chr1-237590811-C-T. GRCh37 (hg19) VCF-style: chr1-237754111-C-T.
Other names: short protein forms L1327F.
Identifiers: ClinVar variation 3385718 (VCV003385718.1).
Genomic context (GRCh38, chr1:237,590,811, plus strand): 5'-CCGATCGAGTGCGCGGAGGTCTTCTCCAAGACGGTGGCTGGAGGGCTCCCTGGGGCTGGC[C>T]TTTTTGGGCCCAAGAATGACTTGGAAGATTATGATGCTGATTCTGACTTTGAGGTTCTGA-3'
Protein context (NP_001026.2, residues 1317-1337): TVAGGLPGAG[Leu1327Phe]FGPKNDLEDY

ClinVar aggregate classification (germline): Uncertain significance (1 of 4 stars; one submission).

Conditions:
Catecholaminergic polymorphic ventricular tachycardia (CVPT). Also called: Catecholamine-induced polymorphic ventricular tachycardia. Identifiers: Orphanet 3286, MedGen C5574922, MONDO:0017990.

Submission:

All of Us Research Program, National Institutes of Health
Classification: Uncertain significance for Catecholaminergic polymorphic ventricular tachycardia. Last evaluated: 2024-06-11. Review status: criteria provided, single submitter. Criteria: ACMG Guidelines, 2015. Collection method: clinical testing. Allele origin: germline. Inheritance: Autosomal dominant inheritance. Observed: 1 variant allele, 1 heterozygote.
Comment: This study involves interpretation of variants in research participants for the purpose of population health screening. Participant phenotype was not available at the time of variant classification. Additional details can be found in publication PMID: 35346344, PMCID: PMC8962531